The following is an entry in ClinVar:

ClinVar aggregate classification (germline): Likely benign (1 of 4 stars; one submission).

Submission:

CeGaT Center for Human Genetics Tuebingen
Classification: Likely benign. Last evaluated: 2026-05-01. Review status: criteria provided, single submitter. Criteria: CeGaT Center For Human Genetics Tuebingen Variant Classification Criteria Version 2. Collection method: clinical testing. Allele origin: germline. Affected: yes. Observed: 2 variant alleles.
Comment: GNAS: BS1

NM_080425.4(GNAS):c.2069-5345_2069-5337del

Gene: GNAS (GNAS complex locus; plus strand). Cytogenetic location: 20q13.32.
Variant type: Deletion.
Coding change: c.2069-5345_2069-5337del on transcript NM_080425.4 (MANE Plus Clinical); 5345 bases into the intron before coding-DNA position 2069 through 5337 bases into the intron before coding-DNA position 2069, 9 bases deleted (GGCCGCCGC; older notation c.2069-5345_2069-5337delGGCCGCCGC).
Molecular consequence: intron variant.
Genome position (GRCh38, 1-based): chr20:58,890,267-58,890,275, GGCCGCCGC deleted; deleting any 9 consecutive bases within chr20:58,890,259-58,890,275 gives the same sequence; the c. name uses the placement nearest the transcript's 3' end. VCF-style (leftmost placement, unchanged base first): chr20-58890258-CGCCGCCGCG-C. GRCh37 (hg19) VCF-style: chr20-57465313-CGCCGCCGCG-C.
Other names: c.*43-5345_*43-5337del (NM_016592.5); c.44-5345_44-5337del (NM_001410912.1); c.-38-5345_-38-5337del (NM_001309861.2); c.*1-5345_*1-5337del (NM_001077490.3); c.2069-5345_2069-5337del (NM_001410913.1); c.*159-5345_*159-5337del (NM_001309883.1); c.-39+914_-39+922del (NM_001438273.1, NM_001309840.2); c.-39+935_-39+943del (NM_001439291.1, NM_001438274.1).
Identifiers: ClinVar variation 4873903 (VCV004873903.2).